The following is an entry in ClinVar:

NM_000732.6(CD3D):c.455T>C (p.Leu152Pro)

Gene: CD3D (CD3 delta subunit of T-cell receptor complex; minus strand). Cytogenetic location: 11q23.3.
Variant type: single nucleotide variant.
Coding change: c.455T>C on transcript NM_000732.6 (MANE Select); coding-DNA position 455, T replaced by C.
Protein change: p.Leu152Pro; replaces leucine 152 with proline.
Molecular consequence: missense variant.
Genome position (GRCh38, 1-based): chr11:118,339,223, A>G on the plus strand (T>C on the coding strand, the complement: CD3D is on the minus strand). VCF-style: chr11-118339223-A-G. GRCh37 (hg19) VCF-style: chr11-118209938-A-G.
Other names: c.323T>C, p.Leu108Pro (NM_001040651.2); short protein forms L152P, L108P.
Identifiers: ClinVar variation 849523 (VCV000849523.5), dbSNP rs1377972098, ClinGen allele CA382787808.

ClinVar aggregate classification (germline): Uncertain significance (1 of 4 stars; one submission).

Conditions:
Immunodeficiency 19 (IMD19). Also called: CD3-DELTA DEFICIENCY; SEVERE COMBINED IMMUNODEFICIENCY, T CELL-NEGATIVE, B CELL-POSITIVE, NK CELL-POSITIVE; SCID, T CELL-NEGATIVE, B CELL-POSITIVE, NK CELL-POSITIVE; IMMUNODEFICIENCY 19, SEVERE COMBINED. Identifiers: MedGen C3810147, MONDO:0014280, OMIM 615617.

Allele frequency attached by ClinVar (database versions not stated): gnomAD exomes below 0.00001 and 0.00001; gnomAD 0.00001.

Submission:

Labcorp Genetics (formerly Invitae), Labcorp
Classification: Uncertain significance for Immunodeficiency 19. Last evaluated: 2023-12-11. Review status: criteria provided, single submitter. Criteria: Invitae Variant Classification Sherloc (09022015). Collection method: clinical testing. Allele origin: germline.
Comment: This sequence change replaces leucine, which is neutral and non-polar, with proline, which is neutral and non-polar, at codon 152 of the CD3D protein (p.Leu152Pro). This variant is present in population databases (no rsID available, gnomAD 0.003%). This variant has not been reported in the literature in individuals affected with CD3D-related conditions. ClinVar contains an entry for this variant (Variation ID: 849523). An algorithm developed to predict the effect of missense changes on protein structure and function (PolyPhen-2) suggests that this variant is likely to be disruptive. In summary, the available evidence is currently insufficient to determine the role of this variant in disease. Therefore, it has been classified as a Variant of Uncertain Significance.